The following is an entry in ClinVar:

ClinVar aggregate classification (germline): Uncertain significance (1 of 4 stars; one submission).

Submission:

Labcorp Genetics (formerly Invitae), Labcorp
Classification: Uncertain significance. Last evaluated: 2021-12-25. Review status: criteria provided, single submitter. Criteria: Invitae Variant Classification Sherloc (09022015). Collection method: clinical testing. Allele origin: germline.
Comment: This variant is not present in population databases (gnomAD no frequency). In summary, the available evidence is currently insufficient to determine the role of this variant in disease. Therefore, it has been classified as a Variant of Uncertain Significance. Algorithms developed to predict the effect of missense changes on protein structure and function (SIFT, PolyPhen-2, Align-GVGD) all suggest that this variant is likely to be tolerated. This variant has not been reported in the literature in individuals affected with ZNF469-related conditions. This sequence change replaces cysteine, which is neutral and slightly polar, with tyrosine, which is neutral and polar, at codon 2011 of the ZNF469 protein (p.Cys2011Tyr).

NM_001367624.2(ZNF469):c.6116G>A (p.Cys2039Tyr)

Gene: ZNF469 (zinc finger protein 469; plus strand). Cytogenetic location: 16q24.2.
Variant type: single nucleotide variant.
Coding change: c.6116G>A on transcript NM_001367624.2 (MANE Select); coding-DNA position 6116, G replaced by A.
Protein change: p.Cys2039Tyr; replaces cysteine 2039 with tyrosine.
Molecular consequence: missense variant.
Genome position (GRCh38, 1-based): chr16:88,433,586, G>A. VCF-style: chr16-88433586-G-A. GRCh37 (hg19) VCF-style: chr16-88499994-G-A.
Other names: short protein forms C2039Y.
Identifiers: ClinVar variation 2060546 (VCV002060546.4), dbSNP rs2507592485, ClinGen allele CA397103980.
Genomic context (GRCh38, chr16:88,433,586, plus strand): 5'-ATGCCAGTCCCAAAACAGCGCTGACCGGCCCCACCGAGGGTGCAGTCCTGCTAGAGAAAT[G>A]CAAGGGAAGCAGGGCAGCCATGAGCCTTCAGGAGGAGGCCGAGCCCACCCCAAGCCCCCC-3'
Protein context (NP_001354553.1, residues 2029-2049): PTEGAVLLEK[Cys2039Tyr]KGSRAAMSLQ